The following is an entry in ClinVar:

NM_013447.4(ADGRE2):c.23T>A (p.Val8Asp)

Gene: ADGRE2 (adhesion G protein-coupled receptor E2; minus strand). Cytogenetic location: 19p13.12.
Variant type: single nucleotide variant.
Coding change: c.23T>A on transcript NM_013447.4 (MANE Select); coding-DNA position 23, T replaced by A.
Protein change: p.Val8Asp; replaces valine 8 with aspartic acid.
Molecular consequence: missense variant.
Genome position (GRCh38, 1-based): chr19:14,776,734, A>T on the plus strand (T>A on the coding strand, the complement: ADGRE2 is on the minus strand). VCF-style: chr19-14776734-A-T. GRCh37 (hg19) VCF-style: chr19-14887546-A-T.
Other names: c.23T>A, p.Val8Asp (NM_001271052.1, NM_152916.2, NM_152917.2); short protein forms V8D.
Identifiers: ClinVar variation 3709332 (VCV003709332.2).

ClinVar aggregate classification (germline): Uncertain significance (1 of 4 stars; one submission).

Submission:

Labcorp Genetics (formerly Invitae), Labcorp
Classification: Uncertain significance. Last evaluated: 2024-10-17. Review status: criteria provided, single submitter. Criteria: Invitae Variant Classification Sherloc (09022015). Collection method: clinical testing. Allele origin: germline.
Comment: This sequence change replaces valine, which is neutral and non-polar, with aspartic acid, which is acidic and polar, at codon 8 of the ADGRE2 protein (p.Val8Asp). This variant is not present in population databases (gnomAD no frequency). This variant has not been reported in the literature in individuals affected with ADGRE2-related conditions. An algorithm developed to predict the effect of missense changes on protein structure and function (PolyPhen-2) suggests that this variant is likely to be tolerated. In summary, the available evidence is currently insufficient to determine the role of this variant in disease. Therefore, it has been classified as a Variant of Uncertain Significance.